The following is an entry in ClinVar:

ClinVar aggregate classification (germline): Benign/Likely benign. Review status: criteria provided, multiple submitters, no conflicts (2 of 4 stars). 3 submissions from 3 submitters: Benign (1); Likely benign (2). Last evaluated 2026-01-25.

Conditions:
Primary dilated cardiomyopathy (DCM). Also called: Dilated Cardiomyopathy. Identifiers: Orphanet 217604, MedGen C0007193, MeSH D002311, MONDO:0005021, HP:0001644. Inheritance: Various modes of inheritance.

Allele frequency attached by ClinVar (database versions not stated): gnomAD 0.00013 and 0.00014; ExAC 0.00016; TOPMed 0.00021.
gnomAD v4.1: 169 of 1,580,744 alleles (0.011%); highest among the groups gnomAD compares: Admixed American, 0.082%; no homozygotes.

Submissions (3):

Labcorp Genetics (formerly Invitae), Labcorp
Classification: Benign for Primary dilated cardiomyopathy. Last evaluated: 2026-01-25. Review status: criteria provided, single submitter. Criteria: Invitae Variant Classification Sherloc (09022015). Collection method: clinical testing. Allele origin: germline.

GeneDx
Classification: Likely benign. Last evaluated: 2017-12-12. Review status: criteria provided, single submitter. Criteria: GeneDx Variant Classification (06012015). Collection method: clinical testing. Allele origin: germline. Affected: yes.
Comment: This variant is considered likely benign or benign based on one or more of the following criteria: it is a conservative change, it occurs at a poorly conserved position in the protein, it is predicted to be benign by multiple in silico algorithms, and/or has population frequency not consistent with disease.

Laboratory for Molecular Medicine, Mass General Brigham Personalized Medicine
Classification: Likely benign. Last evaluated: 2015-03-11. Review status: criteria provided, single submitter. Criteria: LMM Criteria. Collection method: clinical testing. Allele origin: germline. Observed: 1 variant allele.
Comment: c.480+11G>A in exon 5 of NEBL: This variant is not expected to have clinical sig nificance because it is not located within the splice consensus sequence. It has been identified in 0.1% (15/11542) of Latino chromosomes by the Exome Aggregati on Consortium (ExAC).

NM_006393.3(NEBL):c.480+11G>A

Gene: NEBL (nebulette; minus strand). Cytogenetic location: 10p12.31.
Variant type: single nucleotide variant.
Coding change: c.480+11G>A on transcript NM_006393.3 (MANE Select); 11 bases into the intron after coding-DNA position 480, G replaced by A.
Molecular consequence: intron variant.
Genome position (GRCh38, 1-based): chr10:20,880,783, C>T on the plus strand (G>A on the coding strand, the complement: NEBL is on the minus strand). VCF-style: chr10-20880783-C-T. GRCh37 (hg19) VCF-style: chr10-21169712-C-T.
Other names: c.292-67843G>A (NM_001377325.1); c.310-67843G>A (NM_001377323.1); c.250-67843G>A (NM_001377326.1, NM_001377327.1, NM_001377328.1); c.358-67843G>A (NM_213569.2, NM_001173484.2, NM_001377322.1); c.301-67843G>A (NM_001377324.1).
Identifiers: ClinVar variation 227737 (VCV000227737.13), dbSNP rs769167750, ClinGen allele CA5433236.
Genomic context (GRCh38, chr10:20,880,783, plus strand): 5'-AAAATAAACATAAGCCCTAATATGACTTAACTACAGTTCGCTAGAAAATCATGAGAAATG[C>T]GCTTCCTTACATTACTCTGGTGTTTATTGACCTCCATGGCATGTTTAACCTCAGGGGGCT-3'